The following is an entry in ClinVar:

NM_172107.4(KCNQ2):c.2050G>A (p.Gly684Ser)

Gene: KCNQ2 (potassium voltage-gated channel subfamily Q member 2; minus strand). Cytogenetic location: 20q13.33.
Variant type: single nucleotide variant.
Coding change: c.2050G>A on transcript NM_172107.4 (MANE Select); coding-DNA position 2050, G replaced by A.
Protein change: p.Gly684Ser; replaces glycine 684 with serine.
Molecular consequence: missense variant.
Genome position (GRCh38, 1-based): chr20:63,407,213, C>T on the plus strand (G>A on the coding strand, the complement: KCNQ2 is on the minus strand). VCF-style: chr20-63407213-C-T. GRCh37 (hg19) VCF-style: chr20-62038566-C-T.
Other names: p.G684S:GGC>AGC; c.2104G>A, p.Gly702Ser (NM_001382235.1); c.1993G>A, p.Gly665Ser (NM_001439003.1); c.1963G>A, p.Gly655Ser (NM_001439004.1); c.1966G>A, p.Gly656Ser (NM_004518.6); c.1996G>A, p.Gly666Ser (NM_172106.3); c.1957G>A, p.Gly653Ser (NM_172108.5); short protein forms G684S, G656S, G666S, G653S, G702S, G655S, G665S.
Identifiers: ClinVar variation 205928 (VCV000205928.6), dbSNP rs577281854, ClinGen allele CA315516.

ClinVar aggregate classification (germline): Uncertain significance. Review status: criteria provided, multiple submitters, no conflicts (2 of 4 stars). 2 submissions from 2 submitters: Uncertain significance (2). Last evaluated 2024-05-02.

Conditions:
Early-infantile DEE. Also called: Early infantile epileptic encephalopathy; Ohtahara syndrome; Early infantile epileptic encephalopathy with suppression bursts. Identifiers: Orphanet 1934, MedGen C0393706, MONDO:0800491.

Allele frequency attached by ClinVar (database versions not stated): gnomAD below 0.00001 and 0.00001; TOPMed below 0.00001; 1000 Genomes Project 30x 0.00016; gnomAD exomes 0.00003; ExAC 0.00004; 1000 Genomes Project 0.00020.
gnomAD v4.1: 11 of 1,605,138 alleles (0.00069%); highest among the groups gnomAD compares: East Asian, 0.0067%; no homozygotes.

Submissions (2):

Labcorp Genetics (formerly Invitae), Labcorp
Classification: Uncertain significance for Early-infantile DEE. Last evaluated: 2024-05-02. Review status: criteria provided, single submitter. Criteria: Invitae Variant Classification Sherloc (09022015). Collection method: clinical testing. Allele origin: germline.
Comment: This sequence change replaces glycine, which is neutral and non-polar, with serine, which is neutral and polar, at codon 684 of the KCNQ2 protein (p.Gly684Ser). This variant is present in population databases (rs577281854, gnomAD 0.02%). This variant has not been reported in the literature in individuals affected with KCNQ2-related conditions. ClinVar contains an entry for this variant (Variation ID: 205928). Algorithms developed to predict the effect of missense changes on protein structure and function output the following: SIFT: "Not Available"; PolyPhen-2: "Benign"; Align-GVGD: "Not Available". The serine amino acid residue is found in multiple mammalian species, which suggests that this missense change does not adversely affect protein function. In summary, the available evidence is currently insufficient to determine the role of this variant in disease. Therefore, it has been classified as a Variant of Uncertain Significance.

GeneDx
Classification: Uncertain significance. Last evaluated: 2013-11-26. Review status: criteria provided, single submitter. Criteria: GeneDx Variant Classification (06012015). Collection method: clinical testing. Allele origin: germline. Affected: yes.
Comment: The G684S missense change has not been published as a mutation, nor has it been reported as a benign polymorphism to our knowledge. It was not observed in approximately 6,500 individuals of European and African American ancestry in the NHLBI Exome Sequencing Project, indicating it is not a common benign variant in these populations. The identification of G684S suggests that G684S may be a benign variant not associated with the child's phenotype; however, the possibility that it is a disease-associated mutation cannot be excluded since some individuals with KCNQ2 mutations never develop seizures due to incomplete penetrance. The variant is found in INFANT-EPI panel(s).